The following is an entry in ClinVar:

ClinVar aggregate classification (germline): Benign/Likely benign. Review status: criteria provided, multiple submitters, no conflicts (2 of 4 stars). 6 submissions from 6 submitters: Benign (4); Likely benign (1). 1 of the submissions does not count toward it. Last evaluated 2026-06-01.

Conditions:
MASTL-related disorder. Also called: MASTL-related condition.
Thrombocytopenia. Identifiers: MedGen C0040034, MeSH D013921, MONDO:0002049, HP:0001873.

Allele frequency attached by ClinVar (database versions not stated): 1000 Genomes Project 0.00419; 1000 Genomes Project 30x 0.00453; TOPMed 0.00802; gnomAD 0.00927 and 0.00955; ExAC 0.00931; gnomAD exomes 0.00933 and 0.01181; ESP Exome Variant Server 0.00984.
gnomAD v4.1: 18,472 of 1,614,070 alleles (1.1%); highest among the groups gnomAD compares: Non-Finnish European, 1.3%; 135 homozygotes.

Submissions (6):

CeGaT Center for Human Genetics Tuebingen
Classification: Benign. Last evaluated: 2026-06-01. Review status: criteria provided, single submitter. Criteria: CeGaT Center For Human Genetics Tuebingen Variant Classification Criteria Version 2. Collection method: clinical testing. Allele origin: germline. Affected: yes. Observed: 10 variant alleles.
Comment: MASTL: BP4, BS1, BS2; ACBD5: BS1, BS2

Blueprint Genetics
Classification: Likely benign. Last evaluated: 2024-11-25. Review status: criteria provided, single submitter. Criteria: ACMG Guidelines, 2015. Collection method: clinical testing. Allele origin: germline.

Mayo Clinic Laboratories, Mayo Clinic
Classification: Benign. Last evaluated: 2024-10-31. Review status: criteria provided, single submitter. Criteria: ACMG Guidelines, 2015. Collection method: clinical testing. Allele origin: germline. Observed: 12 variant alleles.
Comment: BS1, BS2, BP4

Illumina Laboratory Services, Illumina
Classification: Benign for Thrombocytopenia. Last evaluated: 2018-01-12. Review status: criteria provided, single submitter. Criteria: ICSL Variant Classification Criteria 13 December 2019. Collection method: clinical testing. Allele origin: germline.
Comment: This variant was observed in the ICSL laboratory as part of a predisposition screen in an ostensibly healthy population. It had not been previously curated by ICSL or reported in the Human Gene Mutation Database (HGMD: prior to June 1st, 2018), and was therefore a candidate for classification through an automated scoring system. Utilizing variant allele frequency, disease prevalence and penetrance estimates, and inheritance mode, an automated score was calculated to assess if this variant is too frequent to cause the disease. Based on the score and internal cut-off values, a variant classified as benign is not then subjected to further curation. The score for this variant resulted in a classification of benign for this disease.

Breakthrough Genomics
Classification: Benign. Review status: criteria provided, single submitter. Criteria: ACMG Guidelines, 2015. Collection method: not provided. Allele origin: germline. Inheritance: Unknown mechanism. Affected: yes.

PreventionGenetics, part of Exact Sciences
Classification: Benign for MASTL-related condition. Last evaluated: 2020-06-15. Review status: no assertion criteria provided. Collection method: clinical testing. Allele origin: germline. Not counted in ClinVar's aggregate classification.
Comment: This variant is classified as benign based on ACMG/AMP sequence variant interpretation guidelines (Richards et al. 2015 PMID: 25741868, with internal and published modifications).

NM_001172303.3(MASTL):c.1828G>A (p.Val610Ile)

Genes: MASTL (microtubule associated serine/threonine kinase like; plus strand), ACBD5 (acyl-CoA binding domain containing 5; minus strand). Cytogenetic location: 10p12.1.
Variant type: single nucleotide variant.
Coding change: c.1828G>A on transcript NM_001172303.3 (MANE Select); coding-DNA position 1828, G replaced by A.
Protein change: p.Val610Ile; replaces valine 610 with isoleucine.
Molecular consequence: missense variant. On other transcripts: non-coding transcript variant (1).
Genome position (GRCh38, 1-based): chr10:27,170,787, G>A. VCF-style: chr10-27170787-G-A. GRCh37 (hg19) VCF-style: chr10-27459716-G-A.
Other names: p.Val610Ile; c.1828G>A, p.Val610Ile (NM_001172304.3, NM_001320756.2, NM_001320757.2 and 1 more transcripts); c.1345G>A, p.Val449Ile (NM_001372029.1, NM_001372030.1); c.1828G>A (NM_032844.4); short protein forms V610I, V449I.
Identifiers: ClinVar variation 879054 (VCV000879054.31), dbSNP rs35571315, ClinGen allele CA5450290.
Genomic context (GRCh38, chr10:27,170,787, plus strand): 5'-TCAGATAGAAGCATCAAAGAATCCTCTTTTGAAGAATCAAATATTGAAGATCCACTTATT[G>A]TAACACCAGATTGCCAAGAAAAGACCTCACCAAAAGGTGTCGAGAACCCTGCTGTACAAG-3'
Protein context (NP_001165774.1, residues 600-620): EESNIEDPLI[Val610Ile]TPDCQEKTSP